The following is an entry in ClinVar:

NM_006031.6(PCNT):c.8787T>G (p.His2929Gln)

Gene: PCNT (pericentrin; plus strand). Cytogenetic location: 21q22.3.
Variant type: single nucleotide variant.
Coding change: c.8787T>G on transcript NM_006031.6 (MANE Select); coding-DNA position 8787, T replaced by G.
Protein change: p.His2929Gln; replaces histidine 2929 with glutamine.
Molecular consequence: missense variant.
Genome position (GRCh38, 1-based): chr21:46,435,939, T>G. VCF-style: chr21-46435939-T-G. GRCh37 (hg19) VCF-style: chr21-47855852-T-G.
Other names: c.8196T>G, p.His2732Gln (NM_001315529.2); short protein forms H2732Q, H2929Q.
Identifiers: ClinVar variation 3054915 (VCV003054915.3), dbSNP rs2519056188, ClinGen allele CA410574612.

ClinVar aggregate classification (germline): Uncertain significance (1 of 4 stars; one submission).

Conditions:
PCNT-related disorder. Also called: PCNT-related condition.

Submission:

PreventionGenetics, part of Exact Sciences
Classification: Uncertain significance for PCNT-related condition. Last evaluated: 2025-05-27. Review status: criteria provided, single submitter. Criteria: ACMG Guidelines, 2015. Collection method: clinical testing. Allele origin: germline.
Comment: The PCNT c.8787T>G variant is predicted to result in the amino acid substitution p.His2929Gln. To our knowledge, this variant has not been reported in the literature or in a large population database (gnomAD), indicating this variant is rare. At this time, the clinical significance of this variant is uncertain due to the absence of conclusive functional and genetic evidence.